The following is an entry in ClinVar:

NM_006379.5(SEMA3C):c.21C>T (p.Cys7=)

Gene: SEMA3C (semaphorin 3C; minus strand). Cytogenetic location: 7q21.11.
Variant type: single nucleotide variant.
Coding change: c.21C>T on transcript NM_006379.5 (MANE Select); coding-DNA position 21, C replaced by T.
Protein change: p.Cys7=; no amino-acid change (cysteine 7 retained).
Molecular consequence: synonymous variant. On other transcripts: 5 prime UTR variant (1).
Genome position (GRCh38, 1-based): chr7:80,916,761, G>A on the plus strand (C>T on the coding strand, the complement: SEMA3C is on the minus strand). VCF-style: chr7-80916761-G-A. GRCh37 (hg19) VCF-style: chr7-80546077-G-A.
Other names: c.75C>T, p.Cys25= (NM_001350120.2); c.-242C>T (NM_001350121.2).
Identifiers: ClinVar variation 3355157 (VCV003355157.1).
Genomic context (GRCh38, chr7:80,916,761, plus strand): 5'-TGCTTGGGGCTGGGAAGATCCTTTCACACAGATAGAACAAATAAATACTCCAACCAACAC[G>A]CAAATTGTCCGGAATGCCATTTCTTCAGATATGCAAGTTAATATCCAAGGGAAAATACCT-3'
Protein context (NP_006370.1, residues 1-17): MAFRTI[Cys7=]VLVGVFICSI

ClinVar aggregate classification (germline): Likely benign (0 of 4 stars; one submission).

Conditions:
SEMA3C-related disorder. Also called: SEMA3C-related condition.

gnomAD v4.1: 155 of 1,612,972 alleles (0.0096%); highest among the groups gnomAD compares: Middle Eastern, 0.016%; no homozygotes.

Submission:

PreventionGenetics, part of Exact Sciences
Classification: Likely benign for SEMA3C-related condition. Last evaluated: 2024-03-05. Review status: no assertion criteria provided. Collection method: clinical testing. Allele origin: germline.
Comment: This variant is classified as likely benign based on ACMG/AMP sequence variant interpretation guidelines (Richards et al. 2015 PMID: 25741868, with internal and published modifications).